The following is an entry in ClinVar:

ClinVar aggregate classification (germline): Uncertain significance. Review status: criteria provided, multiple submitters, no conflicts (2 of 4 stars). 2 submissions from 2 submitters: Uncertain significance (2). Last evaluated 2025-03-19.

Conditions:
Early-infantile DEE. Also called: Ohtahara syndrome; Early infantile epileptic encephalopathy with suppression bursts; Early infantile epileptic encephalopathy. Identifiers: Orphanet 1934, MedGen C0393706, MONDO:0800491.

Allele frequency attached by ClinVar (database versions not stated): 1000 Genomes Project 0.00020; gnomAD exomes below 0.00001; ExAC 0.00001; gnomAD 0.00001; TOPMed 0.00001; 1000 Genomes Project 30x 0.00016.
gnomAD v4.1: 4 of 1,597,200 alleles (0.00025%); highest among the groups gnomAD compares: African/African-American, 0.004%; no homozygotes.

Submissions (2):

Labcorp Genetics (formerly Invitae), Labcorp
Classification: Uncertain significance for Early-infantile DEE. Last evaluated: 2025-03-19. Review status: criteria provided, single submitter. Criteria: Invitae Variant Classification Sherloc (09022015). Collection method: clinical testing. Allele origin: germline.
Comment: This sequence change replaces alanine, which is neutral and non-polar, with valine, which is neutral and non-polar, at codon 667 of the KCNQ2 protein (p.Ala667Val). The frequency data for this variant in the population databases is considered unreliable, as metrics indicate poor data quality at this position in the gnomAD database. This variant has not been reported in the literature in individuals affected with KCNQ2-related conditions. ClinVar contains an entry for this variant (Variation ID: 373184). Invitae Evidence Modeling of protein sequence and biophysical properties (such as structural, functional, and spatial information, amino acid conservation, physicochemical variation, residue mobility, and thermodynamic stability) indicates that this missense variant is expected to disrupt KCNQ2 protein function with a positive predictive value of 95%. In summary, the available evidence is currently insufficient to determine the role of this variant in disease. Therefore, it has been classified as a Variant of Uncertain Significance.

GeneDx
Classification: Uncertain significance. Last evaluated: 2016-11-11. Review status: criteria provided, single submitter. Criteria: GeneDx Variant Classification (06012015). Collection method: clinical testing. Allele origin: germline. Affected: yes.
Comment: A variant of uncertain significance has been identified in the KCNQ2 gene. The A667V variant has not been published as a pathogenic variant, nor has it been reported as a benign variant to our knowledge. It was not observed in approximately 6,500 individuals of European and African American ancestry in the NHLBI Exome Sequencing Project, indicating it is not a common benign variant in these populations, and it was not observed with any significant frequency in the 1000 Genomes Project. This substitution alters a conserved residue predicted to be within the C-terminal cytoplasmic domain. However, the A667V variant is a conservative amino acid substitution, which is not likely to impact secondary protein structure as these residues share similar properties. In silico analysis is inconsistent in its predictions as to whether or not the variant is damaging to the protein structure/function. Therefore, based on the currently available information, it is unclear whether this variant is a pathogenic variant or a rare benign variant.

NM_172107.4(KCNQ2):c.2000C>T (p.Ala667Val)

Gene: KCNQ2 (potassium voltage-gated channel subfamily Q member 2; minus strand). Cytogenetic location: 20q13.33.
Variant type: single nucleotide variant.
Coding change: c.2000C>T on transcript NM_172107.4 (MANE Select); coding-DNA position 2000, C replaced by T.
Protein change: p.Ala667Val; replaces alanine 667 with valine.
Molecular consequence: missense variant.
Genome position (GRCh38, 1-based): chr20:63,407,263, G>A on the plus strand (C>T on the coding strand, the complement: KCNQ2 is on the minus strand). VCF-style: chr20-63407263-G-A. GRCh37 (hg19) VCF-style: chr20-62038616-G-A.
Other names: c.1916C>T, p.Ala639Val (NM_004518.6); c.1946C>T, p.Ala649Val (NM_172106.3); c.1907C>T, p.Ala636Val (NM_172108.5); short protein forms A667V, A639V, A636V, A649V.
Identifiers: ClinVar variation 373184 (VCV000373184.11), dbSNP rs563291132, ClinGen allele CA9958176.